The following is an entry in ClinVar:

ClinVar aggregate classification (germline): Uncertain significance (1 of 4 stars; one submission).

Conditions:
Autosomal dominant polycystic kidney disease. Identifiers: Orphanet 730, MedGen C0085413, MONDO:0004691.

gnomAD v4.1: 5 of 1,602,668 alleles (0.00031%); highest among the groups gnomAD compares: Non-Finnish European, 0.00043%; no homozygotes.

Submission:

Labcorp Genetics (formerly Invitae), Labcorp
Classification: Uncertain significance for Autosomal dominant polycystic kidney disease. Last evaluated: 2024-11-29. Review status: criteria provided, single submitter. Criteria: Invitae Variant Classification Sherloc (09022015). Collection method: clinical testing. Allele origin: germline.
Comment: This sequence change replaces glycine, which is neutral and non-polar, with serine, which is neutral and polar, at codon 749 of the PKD2 protein (p.Gly749Ser). This variant is present in population databases (rs148761063, gnomAD 0.007%). This variant has not been reported in the literature in individuals affected with PKD2-related conditions. Invitae Evidence Modeling of protein sequence and biophysical properties (such as structural, functional, and spatial information, amino acid conservation, physicochemical variation, residue mobility, and thermodynamic stability) indicates that this missense variant is expected to disrupt PKD2 protein function with a positive predictive value of 80%. In summary, the available evidence is currently insufficient to determine the role of this variant in disease. Therefore, it has been classified as a Variant of Uncertain Significance.

NM_000297.4(PKD2):c.2245G>A (p.Gly749Ser)

Gene: PKD2 (polycystin 2, transient receptor potential cation channel; plus strand). Cytogenetic location: 4q22.1.
Variant type: single nucleotide variant.
Coding change: c.2245G>A on transcript NM_000297.4 (MANE Select); coding-DNA position 2245, G replaced by A.
Protein change: p.Gly749Ser; replaces glycine 749 with serine.
Molecular consequence: missense variant. On other transcripts: non-coding transcript variant (1).
Genome position (GRCh38, 1-based): chr4:88,065,766, G>A. VCF-style: chr4-88065766-G-A. GRCh37 (hg19) VCF-style: chr4-88986918-G-A.
Other names: short protein forms G749S.
Identifiers: ClinVar variation 3636764 (VCV003636764.2).